The following is an entry in ClinVar:

ClinVar aggregate classification (germline): Uncertain significance. Review status: criteria provided, multiple submitters, no conflicts (2 of 4 stars). 2 submissions from 2 submitters: Uncertain significance (2). Last evaluated 2022-01-28.

Conditions:
Primary ciliary dyskinesia. Also called: Ciliary dyskinesia. Identifiers: Orphanet 244, MedGen C0008780, MONDO:0016575, HP:0012265.

Allele frequency attached by ClinVar (database versions not stated): TOPMed below 0.00001; gnomAD 0.00001; 1000 Genomes Project 30x 0.00016; 1000 Genomes Project 0.00020.
gnomAD v4.1: 6 of 1,613,042 alleles (0.00037%); highest among the groups gnomAD compares: Non-Finnish European, 0.00051%; no homozygotes.

Submissions (2):

Labcorp Genetics (formerly Invitae), Labcorp
Classification: Uncertain significance for Primary ciliary dyskinesia. Last evaluated: 2022-01-28. Review status: criteria provided, single submitter. Criteria: Invitae Variant Classification Sherloc (09022015). Collection method: clinical testing. Allele origin: germline.
Comment: In summary, the available evidence is currently insufficient to determine the role of this variant in disease. Therefore, it has been classified as a Variant of Uncertain Significance. Algorithms developed to predict the effect of sequence changes on RNA splicing suggest that this variant may create or strengthen a splice site. Algorithms developed to predict the effect of missense changes on protein structure and function output the following: SIFT: "Deleterious"; PolyPhen-2: "Benign"; Align-GVGD: "Class C65". The cysteine amino acid residue is found in multiple mammalian species, which suggests that this missense change does not adversely affect protein function. ClinVar contains an entry for this variant (Variation ID: 504722). This variant has not been reported in the literature in individuals affected with CCDC40-related conditions. This variant is present in population databases (rs200858130, gnomAD 0.0009%). This sequence change replaces arginine, which is basic and polar, with cysteine, which is neutral and slightly polar, at codon 494 of the CCDC40 protein (p.Arg494Cys).

Laboratory for Molecular Medicine, Mass General Brigham Personalized Medicine
Classification: Uncertain significance. Last evaluated: 2016-07-13. Review status: criteria provided, single submitter. Criteria: LMM Criteria. Collection method: clinical testing. Allele origin: germline. Observed: 1 variant allele.
Comment: The p.Arg494Cys variant in CCDC40 has not been previously reported in individual s with pulmonary disease, but has been identified in 1/65244 European chromosome s by the Exome Aggregation Consortium (ExAC; dbS NP rs200858130). Computational prediction tools and conservation analysis do not provide strong support for or against an impact to the protein. In summary, the clinical significance of the p.Arg494Cys variant is uncertain.

NM_017950.4(CCDC40):c.1480C>T (p.Arg494Cys)

Gene: CCDC40 (coiled-coil domain 40 molecular ruler complex subunit; plus strand). Cytogenetic location: 17q25.3.
Variant type: single nucleotide variant.
Coding change: c.1480C>T on transcript NM_017950.4 (MANE Select); coding-DNA position 1480, C replaced by T.
Protein change: p.Arg494Cys; replaces arginine 494 with cysteine.
Molecular consequence: missense variant.
Genome position (GRCh38, 1-based): chr17:80,065,524, C>T. VCF-style: chr17-80065524-C-T. GRCh37 (hg19) VCF-style: chr17-78039323-C-T.
Other names: c.1480C>T, p.Arg494Cys (NM_001243342.2, NM_001330508.2); short protein forms R494C.
Identifiers: ClinVar variation 504722 (VCV000504722.9), dbSNP rs200858130, ClinGen allele CA8813860.